The following is an entry in ClinVar:

ClinVar aggregate classification (germline): Pathogenic/Likely pathogenic. Review status: criteria provided, multiple submitters, no conflicts (2 of 4 stars). 2 submissions from 2 submitters: Pathogenic (1); Likely pathogenic (1). Last evaluated 2025-04-12.

Conditions:
Multiple congenital exostosis (EXT). Also called: Hereditary multiple exostoses; Hereditary multiple exostosis; MULTIPLE CARTILAGINOUS EXOSTOSES; Hereditary multiple osteochondromas; Multiple exostoses; Multiple osteochondromas. Identifiers: Orphanet 321, MedGen C0015306, MONDO:0005508, HP:0002762.
Exostoses, multiple, type 1 (EXT1). Also called: Hereditary Multiple Osteochondromatosis, Type I; EXOSTOSES, MULTIPLE, TYPE I. Identifiers: MedGen CN263289, MONDO:0007585, OMIM 133700.

Submissions (2):

Genetics and Genomic Medicine Centre, NeuroGen Healthcare, NeuroGen Healthcare
Classification: Pathogenic for Exostoses, multiple, type 1. Last evaluated: 2025-04-12. Review status: criteria provided, single submitter. Criteria: ACMG Guidelines, 2015. Collection method: clinical testing. Allele origin: unknown. Affected: yes.

Labcorp Genetics (formerly Invitae), Labcorp
Classification: Likely pathogenic for Multiple congenital exostosis. Last evaluated: 2018-06-23. Review status: criteria provided, single submitter. Criteria: Invitae Variant Classification Sherloc (09022015). Collection method: clinical testing. Allele origin: germline.
Comment: This variant is not present in population databases (ExAC no frequency). In summary, the currently available evidence indicates that the variant is pathogenic, but additional data are needed to prove that conclusively. Therefore, this variant has been classified as Likely Pathogenic. Algorithms developed to predict the effect of missense changes on protein structure and function are either unavailable or do not agree on the potential impact of this missense change (SIFT: "Deleterious"; PolyPhen-2: "Probably Damaging"; Align-GVGD: "Class C0"). This variant has been observed to segregate with hereditary multiple exotoses in a family (Invitae) and has been reported in an additional, unrelated affected individual (PMID: 17041877). This sequence change replaces leucine with serine at codon 191 of the EXT1 protein (p.Leu191Ser). The leucine residue is moderately conserved and there is a large physicochemical difference between leucine and serine.

Literature cited by the submitters: PubMed 17041877 (cited by Labcorp Genetics (formerly Invitae), Labcorp).

NM_000127.3(EXT1):c.572T>C (p.Leu191Ser)

Gene: EXT1 (exostosin glycosyltransferase 1; minus strand). Cytogenetic location: 8q24.11.
Variant type: single nucleotide variant.
Coding change: c.572T>C on transcript NM_000127.3 (MANE Select); coding-DNA position 572, T replaced by C.
Protein change: p.Leu191Ser; replaces leucine 191 with serine.
Molecular consequence: missense variant.
Genome position (GRCh38, 1-based): chr8:118,110,475, A>G on the plus strand (T>C on the coding strand, the complement: EXT1 is on the minus strand). VCF-style: chr8-118110475-A-G. GRCh37 (hg19) VCF-style: chr8-119122714-A-G.
Other names: short protein forms L191S.
Identifiers: ClinVar variation 566120 (VCV000566120.9), dbSNP rs1563659467, ClinGen allele CA371915543.